The following is an entry in ClinVar:

ClinVar aggregate classification (germline): Conflicting classifications of pathogenicity. Review status: criteria provided, conflicting classifications (1 of 4 stars). 4 submissions from 4 submitters: Uncertain significance (3); Likely benign (1). Last evaluated 2025-12-30.

Conditions:
Primary dilated cardiomyopathy (DCM). Also called: Dilated Cardiomyopathy. Identifiers: Orphanet 217604, MedGen C0007193, MeSH D002311, MONDO:0005021, HP:0001644. Inheritance: Various modes of inheritance.
CHARGE syndrome (CHARGE). Also called: Coloboma, heart anomaly, choanal atresia, retardation, genital and ear anomalies; CHARGE association; Hall-Hittner syndrome; Hittner Hirsch Kreh syndrome; CHARGE ASSOCIATION--COLOBOMA, HEART ANOMALY, CHOANAL ATRESIA, RETARDATION, GENITAL AND EAR ANOMALIES. Identifiers: Orphanet 138, MedGen C0265354, MONDO:0008965.

Allele frequency attached by ClinVar (database versions not stated): gnomAD exomes 0.00002 and 0.00003; gnomAD 0.00004 and 0.00005; ExAC 0.00007; TOPMed 0.00008; 1000 Genomes Project 30x 0.00016.
gnomAD v4.1: 36 of 1,603,870 alleles (0.0022%); highest among the groups gnomAD compares: East Asian, 0.078%; no homozygotes.

Submissions (4):

Labcorp Genetics (formerly Invitae), Labcorp
Classification: Likely benign for CHARGE syndrome. Last evaluated: 2025-12-30. Review status: criteria provided, single submitter. Criteria: Invitae Variant Classification Sherloc (09022015). Collection method: clinical testing. Allele origin: germline.

Clinical Center for Gene Diagnosis and Therapy, Department of Cardiovascular Surgery, The Second Xiangya Hospital of Central South University
Classification: Uncertain significance for Primary dilated cardiomyopathy. Last evaluated: 2023-06-01. Review status: criteria provided, single submitter. Criteria: ACMG Guidelines, 2015. Collection method: clinical testing. Allele origin: germline. Affected: yes.

GeneDx
Classification: Uncertain significance. Last evaluated: 2022-04-29. Review status: criteria provided, single submitter. Criteria: GeneDx Variant Classification Process June 2021. Collection method: clinical testing. Allele origin: germline. Affected: yes.
Comment: Reported in unrelated patients with hypogonadotropic hypogonadism or Kallman syndrome in published literature (Zhou et al., 2018; Li et al., 2020; Sun et al., 2021); of note, several patients had additional CHD7 variants or variants in other genes; In silico analysis supports that this missense variant has a deleterious effect on protein structure/function; This variant is associated with the following publications: (PMID: 34062169, 30098700, 32573075, 35047002)

Revvity Omics, Revvity
Classification: Uncertain significance. Last evaluated: 2021-11-21. Review status: criteria provided, single submitter. Criteria: ACMG Guidelines, 2015. Collection method: clinical testing. Allele origin: germline.

NM_017780.4(CHD7):c.4516G>A (p.Gly1506Ser)

Gene: CHD7 (chromodomain helicase DNA binding protein 7; plus strand). Cytogenetic location: 8q12.2.
Variant type: single nucleotide variant.
Coding change: c.4516G>A on transcript NM_017780.4 (MANE Select); coding-DNA position 4516, G replaced by A.
Protein change: p.Gly1506Ser; replaces glycine 1506 with serine.
Molecular consequence: missense variant. On other transcripts: intron variant (1).
Genome position (GRCh38, 1-based): chr8:60,838,238, G>A. VCF-style: chr8-60838238-G-A. GRCh37 (hg19) VCF-style: chr8-61750797-G-A.
Other names: c.4516G>A (NM_017780.3); c.1717-23991G>A (NM_001316690.1); short protein forms G1506S.
Identifiers: ClinVar variation 1437526 (VCV001437526.17), dbSNP rs750258756, ClinGen allele CA4760132.